The following is an entry in ClinVar:

NM_013266.4(CTNNA3):c.1814A>G (p.Gln605Arg)

Gene: CTNNA3 (catenin alpha 3; minus strand). Cytogenetic location: 10q21.3.
Variant type: single nucleotide variant.
Coding change: c.1814A>G on transcript NM_013266.4 (MANE Select); coding-DNA position 1814, A replaced by G.
Protein change: p.Gln605Arg; replaces glutamine 605 with arginine.
Molecular consequence: missense variant.
Genome position (GRCh38, 1-based): chr10:66,280,540, T>C on the plus strand (A>G on the coding strand, the complement: CTNNA3 is on the minus strand). VCF-style: chr10-66280540-T-C. GRCh37 (hg19) VCF-style: chr10-68040298-T-C.
Other names: c.1814A>G, p.Gln605Arg (NM_001127384.3); short protein forms Q605R.
Identifiers: ClinVar variation 3665971 (VCV003665971.2).

ClinVar aggregate classification (germline): Uncertain significance (1 of 4 stars; one submission).

Conditions:
Arrhythmogenic right ventricular dysplasia 13. Also called: Arrhythmogenic right ventricular dysplasia, familial, 13; ARRHYTHMOGENIC RIGHT VENTRICULAR CARDIOMYOPATHY 13. Identifiers: MedGen C3810138, MONDO:0000908, OMIM 615616.

Submission:

Labcorp Genetics (formerly Invitae), Labcorp
Classification: Uncertain significance for Arrhythmogenic right ventricular dysplasia 13. Last evaluated: 2024-12-15. Review status: criteria provided, single submitter. Criteria: Invitae Variant Classification Sherloc (09022015). Collection method: clinical testing. Allele origin: germline.
Comment: This sequence change replaces glutamine, which is neutral and polar, with arginine, which is basic and polar, at codon 605 of the CTNNA3 protein (p.Gln605Arg). This variant is not present in population databases (gnomAD no frequency). This variant has not been reported in the literature in individuals affected with CTNNA3-related conditions. Invitae Evidence Modeling of protein sequence and biophysical properties (such as structural, functional, and spatial information, amino acid conservation, physicochemical variation, residue mobility, and thermodynamic stability) indicates that this missense variant is not expected to disrupt CTNNA3 protein function with a negative predictive value of 80%. In summary, the available evidence is currently insufficient to determine the role of this variant in disease. Therefore, it has been classified as a Variant of Uncertain Significance.